The following is an entry in ClinVar:

NM_000075.4(CDK4):c.870G>C (p.Leu290=)

Genes: CDK4 (cyclin dependent kinase 4; minus strand), TSPAN31 (tetraspanin 31; plus strand). Cytogenetic location: 12q14.1.
Variant type: single nucleotide variant.
Coding change: c.870G>C on transcript NM_000075.4 (MANE Select); coding-DNA position 870, G replaced by C.
Protein change: p.Leu290=; no amino-acid change (leucine 290 retained).
Molecular consequence: synonymous variant. On other transcripts: 3 prime UTR variant (3).
Genome position (GRCh38, 1-based): chr12:57,748,567, C>G on the plus strand (G>C on the coding strand, the complement: CDK4 is on the minus strand). VCF-style: chr12-57748567-C-G. GRCh37 (hg19) VCF-style: chr12-58142350-C-G.
Other names: c.*1277C>G (NM_001330168.2, NM_001330169.2, NM_005981.5).
Identifiers: ClinVar variation 822675 (VCV000822675.14), dbSNP rs1299338481, ClinGen allele CA480299570.

ClinVar aggregate classification (germline): Benign/Likely benign. Review status: criteria provided, multiple submitters, no conflicts (2 of 4 stars). 3 submissions from 3 submitters: Benign (1); Likely benign (2). Last evaluated 2025-07-09.

Conditions:
Familial melanoma. Also called: Hereditary melanoma; Hereditary cutaneous melanoma. Identifiers: Orphanet 618, MedGen C1512419, MONDO:0018961.
Hereditary cancer-predisposing syndrome. Also called: Tumor predisposition; Hereditary Cancer Syndrome; Neoplastic Syndromes, Hereditary; Hereditary neoplastic syndrome. Identifiers: Orphanet 140162, MedGen C0027672, MeSH D009386, MONDO:0015356.
Melanoma, cutaneous malignant, susceptibility to, 3. Also called: Cutaneous malignant melanoma 3. Identifiers: Orphanet 618, MedGen C1836892, MONDO:0012183, OMIM 609048.

Allele frequency attached by ClinVar (database versions not stated): gnomAD exomes below 0.00001; TOPMed below 0.00001; gnomAD 0.00003.
gnomAD v4.1: 9 of 1,613,908 alleles (0.00056%); highest among the groups gnomAD compares: South Asian, 0.0055%; no homozygotes.

Submissions (3):

Labcorp Genetics (formerly Invitae), Labcorp
Classification: Likely benign for Familial melanoma. Last evaluated: 2025-07-09. Review status: criteria provided, single submitter. Criteria: Invitae Variant Classification Sherloc (09022015). Collection method: clinical testing. Allele origin: germline.

Myriad Genetics, Inc.
Classification: Benign for Melanoma, cutaneous malignant, susceptibility to, 3. Last evaluated: 2024-09-27. Review status: criteria provided, single submitter. Criteria: Myriad Autosomal Dominant, Autosomal Recessive and X-Linked Classification Criteria (2023). Collection method: clinical testing. Allele origin: unknown.
Comment: This variant is considered benign. This variant is a silent/synonymous amino acid change and it is not expected to impact splicing.

Ambry Genetics
Classification: Likely benign for Hereditary cancer-predisposing syndrome. Last evaluated: 2019-01-22. Review status: criteria provided, single submitter. Criteria: Ambry Variant Classification Scheme 2023. Collection method: clinical testing. Allele origin: germline.